The following is an entry in ClinVar:

ClinVar aggregate classification (germline): Uncertain significance (1 of 4 stars; one submission).

Allele frequency attached by ClinVar (database versions not stated): TOPMed 0.00002.
gnomAD v4.1: 64 of 1,551,304 alleles (0.0041%); highest among the groups gnomAD compares: Non-Finnish European, 0.0052%; no homozygotes.

Submission:

Women's Health and Genetics/Laboratory Corporation of America, LabCorp
Classification: Uncertain significance. Last evaluated: 2023-03-13. Review status: criteria provided, single submitter. Criteria: LabCorp Variant Classification Summary - May 2015. Collection method: clinical testing. Allele origin: germline.
Comment: Variant summary: SCYE1 c.-26+204A>G alters a non-conserved nucleotide located in the untranslated mRNA region upstream of the initiation codon. It is also annotated as NM_001142416.1(AIMP1):c.1A>G (p.M1?) with the next in-frame alternative start codon located at p.25 in exon 2 of the coding sequence. 4/4 splicing computational tools predict no impact on splicing in either transcript. Furthermore, this gene has a pLI score that predicts tolerance to loss of function variation. The variant allele was found at a frequency of 3.7e-05 in 187564 control chromosomes. The available data on variant occurrences in the general population are insufficient to allow any conclusion about variant significance. To our knowledge, no occurrence of c.-26+204A>G or c.1A>G in individuals affected with Hypomyelinating Leukodystrophy 3 and no experimental evidence demonstrating its impact on protein function have been reported. No clinical diagnostic laboratories have submitted clinical-significance assessments for this variant to ClinVar after 2014. Based on the evidence outlined above, the variant was classified as uncertain significance.

NM_004757.4(AIMP1):c.-26+204A>G

Genes: AIMP1 (aminoacyl tRNA synthetase complex interacting multifunctional protein 1; plus strand), TBCK (TBC1 domain containing kinase; minus strand), LOC129992924 (ATAC-STARR-seq lymphoblastoid active region 21787; plus strand). Cytogenetic location: 4q24.
Variant type: single nucleotide variant.
Coding change: c.-26+204A>G on transcript NM_004757.4; 204 bases into the intron after 26 bases upstream of the start codon, A replaced by G.
Molecular consequence: intron variant. On other transcripts: 5 prime UTR variant (1).
Genome position (GRCh38, 1-based): chr4:106,316,548, A>G. VCF-style: chr4-106316548-A-G. GRCh37 (hg19) VCF-style: chr4-107237705-A-G.
Other names: c.-30T>C (NM_001163436.4); c.-26+912A>G (NM_001142415.2).
Identifiers: ClinVar variation 2501160 (VCV002501160.1), dbSNP rs1001991896, ClinGen allele CA103422668.